The following is an entry in ClinVar:

ClinVar aggregate classification (germline): Uncertain significance (1 of 4 stars; one submission).

Conditions:
Perlman syndrome (PRLMNS). Identifiers: Orphanet 2849, MedGen C0796113, MONDO:0009965, OMIM 267000.

Allele frequency attached by ClinVar (database versions not stated): gnomAD exomes below 0.00001; ExAC 0.00001.
gnomAD v4.1: 2 of 1,614,134 alleles (0.00012%); highest among the groups gnomAD compares: South Asian, 0.0011%; no homozygotes.

Submission:

Labcorp Genetics (formerly Invitae), Labcorp
Classification: Uncertain significance for Perlman syndrome. Last evaluated: 2022-06-07. Review status: criteria provided, single submitter. Criteria: Invitae Variant Classification Sherloc (09022015). Collection method: clinical testing. Allele origin: germline.
Comment: This sequence change replaces histidine, which is basic and polar, with arginine, which is basic and polar, at codon 533 of the DIS3L2 protein (p.His533Arg). This variant is present in population databases (rs772894326, gnomAD 0.01%). This variant has not been reported in the literature in individuals affected with DIS3L2-related conditions. Algorithms developed to predict the effect of missense changes on protein structure and function are either unavailable or do not agree on the potential impact of this missense change (SIFT: "Tolerated"; PolyPhen-2: "Probably Damaging"; Align-GVGD: "Class C0"). In summary, the available evidence is currently insufficient to determine the role of this variant in disease. Therefore, it has been classified as a Variant of Uncertain Significance.

NM_152383.5(DIS3L2):c.1598A>G (p.His533Arg)

Gene: DIS3L2 (DIS3 like 3'-5' exoribonuclease 2; plus strand). Cytogenetic location: 2q37.1.
Variant type: single nucleotide variant.
Coding change: c.1598A>G on transcript NM_152383.5 (MANE Select); coding-DNA position 1598, A replaced by G.
Protein change: p.His533Arg; replaces histidine 533 with arginine.
Molecular consequence: missense variant. On other transcripts: non-coding transcript variant (2), intron variant (1).
Genome position (GRCh38, 1-based): chr2:232,263,379, A>G. VCF-style: chr2-232263379-A-G. GRCh37 (hg19) VCF-style: chr2-233128089-A-G.
Other names: c.1581+17A>G (NM_001257281.2); short protein forms H533R.
Identifiers: ClinVar variation 2046208 (VCV002046208.4), dbSNP rs772894326, ClinGen allele CA2164201.